The following is an entry in ClinVar:

ClinVar aggregate classification (germline): Pathogenic (1 of 4 stars; one submission).

Conditions:
Joubert syndrome and related disorders. Identifiers: Orphanet 140874, MedGen C5679612, MONDO:0015369.

Submission:

Women's Health and Genetics/Laboratory Corporation of America, LabCorp
Classification: Pathogenic for Joubert syndrome and related disorders. Last evaluated: 2024-08-16. Review status: criteria provided, single submitter. Criteria: LabCorp Variant Classification Summary - May 2015. Collection method: clinical testing. Allele origin: germline.
Comment: Variant summary: The variant involves the deletion of exons 24-25 in the TMEM67 gene. A presumed nomenclature of c.(2439+1_2440-1)_(2661+1_2662-1)del has been designated for the purposes of this classification. This Copy Number Variant (CNV) is predicted to result in an in-frame deletion within this gene. The variant was absent in 21694 control chromosomes. To our knowledge, no occurrence of c.(2439+1_2440-1)_(2661+1_2662-1)del in individuals affected with Joubert Syndrome And Related Disorders and no experimental evidence demonstrating its impact on protein function have been reported. At least 1 missense variant within the deleted region (c.2498T>C, p.Ile833Thr) has been classified as pathogenic by our laboratory, suggesting that loss of these exons is deleterious. ClinVar contains an entry for this variant (Variation ID: 2427440). Based on the evidence outlined above, the variant was classified as pathogenic.

NC_000008.10:g.(94817107_94821067)_(94821390_94822012)del

Gene: TMEM67 (transmembrane protein 67; plus strand). Cytogenetic location: 8q22.1.
Variant type: Deletion.
Identifiers: ClinVar variation 3366760 (VCV003366760.1).